The following is an entry in ClinVar:

NM_000283.4(PDE6B):c.1373G>A (p.Cys458Tyr)

Gene: PDE6B (phosphodiesterase 6B; plus strand). Cytogenetic location: 4p16.3.
Variant type: single nucleotide variant.
Coding change: c.1373G>A on transcript NM_000283.4 (MANE Select); coding-DNA position 1373, G replaced by A.
Protein change: p.Cys458Tyr; replaces cysteine 458 with tyrosine.
Molecular consequence: missense variant.
Genome position (GRCh38, 1-based): chr4:657,466, G>A. VCF-style: chr4-657466-G-A. GRCh37 (hg19) VCF-style: chr4-651255-G-A.
Other names: c.1373G>A, p.Cys458Tyr (NM_001145291.2); c.536G>A, p.Cys179Tyr (NM_001145292.2, NM_001350154.3, NM_001379246.1 and 1 more transcripts); c.218G>A, p.Cys73Tyr (NM_001350155.3); short protein forms C73Y, C458Y, C179Y.
Identifiers: ClinVar variation 857920 (VCV000857920.11), dbSNP rs761428338, ClinGen allele CA2794464.

ClinVar aggregate classification (germline): Conflicting classifications of pathogenicity. Review status: criteria provided, conflicting classifications (1 of 4 stars). 3 submissions from 3 submitters: Likely pathogenic (2); Uncertain significance (1). Last evaluated 2025-07-31.

Conditions:
PDE6B-related disorder. Also called: PDE6B-related disease; PDE6B-related condition; PDE6B-related disorders.

Allele frequency attached by ClinVar (database versions not stated): gnomAD exomes below 0.00001 and 0.00001; ExAC 0.00001; gnomAD 0.00001; TOPMed 0.00001.
gnomAD v4.1: 5 of 1,613,256 alleles (0.00031%); highest among the groups gnomAD compares: African/African-American, 0.0067%; no homozygotes.

Submissions (3):

Labcorp Genetics (formerly Invitae), Labcorp
Classification: Likely pathogenic. Last evaluated: 2025-07-31. Review status: criteria provided, single submitter. Criteria: Invitae Variant Classification Sherloc (09022015). Collection method: clinical testing. Allele origin: germline.
Comment: This sequence change replaces cysteine, which is neutral and slightly polar, with tyrosine, which is neutral and polar, at codon 458 of the PDE6B protein (p.Cys458Tyr). This variant is present in population databases (rs761428338, gnomAD 0.01%). This missense change has been observed in individuals with autosomal recessive retinitis pigmentosa (PMID: 28981474, 38219857; internal data). ClinVar contains an entry for this variant (Variation ID: 857920). Invitae Evidence Modeling of protein sequence and biophysical properties (such as structural, functional, and spatial information, amino acid conservation, physicochemical variation, residue mobility, and thermodynamic stability) has been performed for this missense variant. However, the output from this modeling did not meet the statistical confidence thresholds required to predict the impact of this variant on PDE6B protein function. Algorithms developed to predict the effect of sequence changes on RNA splicing suggest that this variant may create or strengthen a splice site. In summary, the currently available evidence indicates that the variant is pathogenic, but additional data are needed to prove that conclusively. Therefore, this variant has been classified as Likely Pathogenic.

PreventionGenetics, part of Exact Sciences
Classification: Uncertain significance for PDE6B-related condition. Last evaluated: 2025-02-16. Review status: criteria provided, single submitter. Criteria: ACMG Guidelines, 2015. Collection method: clinical testing. Allele origin: germline.
Comment: The PDE6B c.1373G>A variant is predicted to result in the amino acid substitution p.Cys458Tyr. This variant has been reported in an individual with pericentral retinitis pigmentosa along with another variant in the gene and in the homozygous state in an individual with an unspecified inherited retinal dystrophy (Comander et al. 2017. PubMed ID: 28981474; Table S1, Lin et al. 2024. PubMed ID: 38219857). This variant is reported in 0.012% of alleles in individuals of African descent in gnomAD. At this time, the clinical significance of this variant is uncertain due to the absence of conclusive functional and genetic evidence.

Blueprint Genetics
Classification: Likely pathogenic for PDE6B-related disorders. Last evaluated: 2021-08-24. Review status: criteria provided, single submitter. Criteria: ACMG Guidelines, 2015. Collection method: clinical testing. Allele origin: germline. Affected: yes. Observed: 3 variant alleles.

Literature cited by the submitters: PubMed 28981474 (cited by Labcorp Genetics (formerly Invitae), Labcorp); PubMed 38219857 (cited by Labcorp Genetics (formerly Invitae), Labcorp).